The following is an entry in ClinVar:

NM_005120.3(MED12):c.2860G>A (p.Val954Ile)

Gene: MED12 (mediator complex subunit 12; plus strand). Cytogenetic location: Xq13.1.
Variant type: single nucleotide variant.
Coding change: c.2860G>A on transcript NM_005120.3 (MANE Select); coding-DNA position 2860, G replaced by A.
Protein change: p.Val954Ile; replaces valine 954 with isoleucine.
Molecular consequence: missense variant.
Genome position (GRCh38, 1-based): chrX:71,127,346, G>A. VCF-style: chrX-71127346-G-A. GRCh37 (hg19) VCF-style: chrX-70347196-G-A.
Other names: short protein forms V954I.
Identifiers: ClinVar variation 2056665 (VCV002056665.4), dbSNP rs2147799274, ClinGen allele CA413516421.

ClinVar aggregate classification (germline): Uncertain significance (1 of 4 stars; one submission).

Conditions:
FG syndrome (FGS). Identifiers: MedGen C0220769, MONDO:0002010.

Submission:

Labcorp Genetics (formerly Invitae), Labcorp
Classification: Uncertain significance for FG syndrome. Last evaluated: 2022-01-28. Review status: criteria provided, single submitter. Criteria: Invitae Variant Classification Sherloc (09022015). Collection method: clinical testing. Allele origin: germline.
Comment: In summary, the available evidence is currently insufficient to determine the role of this variant in disease. Therefore, it has been classified as a Variant of Uncertain Significance. Algorithms developed to predict the effect of missense changes on protein structure and function are either unavailable or do not agree on the potential impact of this missense change (SIFT: "Deleterious"; PolyPhen-2: "Benign"; Align-GVGD: "Class C25"). This variant has not been reported in the literature in individuals affected with MED12-related conditions. This variant is not present in population databases (gnomAD no frequency). This sequence change replaces valine, which is neutral and non-polar, with isoleucine, which is neutral and non-polar, at codon 954 of the MED12 protein (p.Val954Ile).